The following is an entry in ClinVar:

NM_001257180.2(SLC20A2):c.1679G>T (p.Gly560Val)

Gene: SLC20A2 (solute carrier family 20 member 2; minus strand). Cytogenetic location: 8p11.21.
Variant type: single nucleotide variant.
Coding change: c.1679G>T on transcript NM_001257180.2 (MANE Select); coding-DNA position 1679, G replaced by T.
Protein change: p.Gly560Val; replaces glycine 560 with valine.
Molecular consequence: missense variant.
Genome position (GRCh38, 1-based): chr8:42,430,094, C>A on the plus strand (G>T on the coding strand, the complement: SLC20A2 is on the minus strand). VCF-style: chr8-42430094-C-A. GRCh37 (hg19) VCF-style: chr8-42287612-C-A.
Other names: c.1679G>T, p.Gly560Val (NM_001257181.2, NM_006749.5); short protein forms G560V.
Identifiers: ClinVar variation 4709867 (VCV004709867.1).

ClinVar aggregate classification (germline): Uncertain significance (1 of 4 stars; one submission).

Submission:

Labcorp Genetics (formerly Invitae), Labcorp
Classification: Uncertain significance. Last evaluated: 2025-07-31. Review status: criteria provided, single submitter. Criteria: Invitae Variant Classification Sherloc (09022015). Collection method: clinical testing. Allele origin: germline.
Comment: This sequence change replaces glycine, which is neutral and non-polar, with valine, which is neutral and non-polar, at codon 560 of the SLC20A2 protein (p.Gly560Val). This variant is not present in population databases (gnomAD no frequency). This variant has not been reported in the literature in individuals affected with SLC20A2-related conditions. Invitae Evidence Modeling of protein sequence and biophysical properties (such as structural, functional, and spatial information, amino acid conservation, physicochemical variation, residue mobility, and thermodynamic stability) indicates that this missense variant is expected to disrupt SLC20A2 protein function with a positive predictive value of 95%. In summary, the available evidence is currently insufficient to determine the role of this variant in disease. Therefore, it has been classified as a Variant of Uncertain Significance.